The following is an entry in ClinVar:

NM_000492.4(CFTR):c.1001G>A (p.Arg334Gln)

Gene: CFTR (CF transmembrane conductance regulator; plus strand). Cytogenetic location: 7q31.2.
Variant type: single nucleotide variant.
Coding change: c.1001G>A on transcript NM_000492.4 (MANE Select); coding-DNA position 1001, G replaced by A.
Protein change: p.Arg334Gln; replaces arginine 334 with glutamine.
Molecular consequence: missense variant.
Genome position (GRCh38, 1-based): chr7:117,540,231, G>A. VCF-style: chr7-117540231-G-A. GRCh37 (hg19) VCF-style: chr7-117180285-G-A.
Other names: short protein forms R334Q.
Identifiers: ClinVar variation 53159 (VCV000053159.56), dbSNP rs397508137, ClinGen allele CA326358.

ClinVar aggregate classification (germline): Conflicting classifications of pathogenicity. Review status: criteria provided, conflicting classifications (1 of 4 stars). 24 submissions from 23 submitters: Pathogenic (2); Likely pathogenic (16); Uncertain significance (4). 2 of the submissions do not count toward it. Last evaluated 2026-01-22.

Conditions:
CFTR-related disorder (CFTR-RD). Also called: CFTR-related condition; CFTR-related disorders. Identifiers: MedGen C5924204, MONDO:7770004.
Cystic fibrosis (CF). Also called: MUCOVISCIDOSIS. Identifiers: Orphanet 586, MedGen C0010674, MONDO:0009061, OMIM 219700. Disease mechanism: loss of function.
Bronchiectasis with or without elevated sweat chloride 1 (BESC1). Also called: Cystic Fibrosis-Like Syndrome. Identifiers: Orphanet 60033, MedGen C2749757, MONDO:0008887, OMIM 211400.
Congenital bilateral aplasia of vas deferens from CFTR mutation (CBAVD). Identifiers: Orphanet 48, MedGen C0403814, MONDO:0010178, OMIM 277180. Disease mechanism: loss of function.
Hereditary pancreatitis (PCTT). Also called: PRSS1-Related Hereditary Pancreatitis; Hereditary chronic pancreatitis. Identifiers: Orphanet 676, MedGen C0238339, MONDO:0008185, OMIM 167800.

Allele frequency attached by ClinVar (database versions not stated): gnomAD exomes 0.00011; TOPMed 0.00012; ExAC 0.00014; 1000 Genomes Project 0.00020; 1000 Genomes Project 30x 0.00031.
gnomAD v4.1: 298 of 1,614,010 alleles (0.018%); highest among the groups gnomAD compares: Non-Finnish European, 0.019%; no homozygotes.

Submissions 1 to 5 of 24:

Labcorp Genetics (formerly Invitae), Labcorp
Classification: Likely pathogenic for Cystic fibrosis. Last evaluated: 2026-01-22. Review status: criteria provided, single submitter. Criteria: Invitae Variant Classification Sherloc (09022015). Collection method: clinical testing. Allele origin: germline.
Comment: This sequence change replaces arginine, which is basic and polar, with glutamine, which is neutral and polar, at codon 334 of the CFTR protein (p.Arg334Gln). This variant is present in population databases (rs397508137, gnomAD 0.09%). This missense change has been observed in individuals with typical or atypical cystic fibrosis. Also, it has been identified in unaffected individuals as well as an individual affected with congenital bilateral absence of the vas deferens who also had one known pathogenic mutation in CFTR (PMID: 11379874, 15070876, 16126774, 19897426, 28546993, 34782259). ClinVar contains an entry for this variant (Variation ID: 53159). Invitae Evidence Modeling of protein sequence and biophysical properties (such as structural, functional, and spatial information, amino acid conservation, physicochemical variation, residue mobility, and thermodynamic stability) indicates that this missense variant is expected to disrupt CFTR protein function with a positive predictive value of 80%. Experimental studies have shown that this missense change affects CFTR function (PMID: 12679372, 15130785, 17673962, 29805046). This variant disrupts the p.Arg334 amino acid residue in CFTR. Other variant(s) that disrupt this residue have been determined to be pathogenic (PMID: 15371902, 23974870). This suggests that this residue is clinically significant, and that variants that disrupt this residue are likely to be disease-causing. In summary, the currently available evidence indicates that the variant is pathogenic, but additional data are needed to prove that conclusively. Therefore, this variant has been classified as Likely Pathogenic.

Women's Health and Genetics/Laboratory Corporation of America, LabCorp
Classification: Likely pathogenic for Cystic fibrosis. Last evaluated: 2025-12-26. Review status: criteria provided, single submitter. Criteria: LabCorp Variant Classification Summary - May 2015. Collection method: clinical testing. Allele origin: germline.
Comment: Variant summary: CFTR c.1001G>A (p.Arg334Gln) results in a conservative amino acid change located in the ABC transporter type 1, transmembrane domain (IPR011527) of the encoded protein sequence. Algorithms developed to predict the effect of missense changes on protein structure and function are either unavailable or do not agree on the potential impact of this missense change. Several computational tools predict a significant impact on normal splicing: Three predict the variant creates a 3 acceptor site. However, these predictions have yet to be confirmed by functional studies. The variant allele was found at a frequency of 0.00011 in 251222 control chromosomes. This frequency is not significantly higher than estimated for disease-causing variants in CFTR, allowing no conclusion about variant significance. c.1001G>A has been reported in the literature in the compound heterozygous state together with a pathogenic variant (p.Trp1282X, F508del) in multiple individuals affected with Cystic Fibrosis, although often these individuals have atypical CF with intermmediate sweat chloride levels and/or a mild phenotype (e.g. Behar_2017, Munck_2020, McCague_2019). It has also been found in at least two individuals with CBAVD, one of whom was compound heterozygous together with a pathogenic CFTR variant (p.Arg347His) (e.g. Dayangac_2004, Havasi_2010). Several publications report experimental evidence evaluating an impact on protein function (e.g. Smith_2001, Broadbent_2015, Wang_2016, Han_2018, Raraigh_2018). At least two studies showed this variant results in approximately 20-30% chloride channel function compared to the WT protein (Han_2018, Raraigh_2018, Bihler_2024). Additionally, other missense variants at the same codon, R334W and R334L, have been classified as pathogenic suggesting the arginine residue is important for CFTR protein function. Having been observed in individuals with CF/ atypical CF, CFTR-related disorders, and healthy individuals, and due to its level of activity versus the WT, this variant has been described as having variable clinical consequences (e.g. Raraigh_2018). The following publications have been ascertained in the context of this evaluation (PMID: 28546993, 21228398, 33572515, 25277268, 22439019, 15070876, 26493493, 30046002, 20100616, 17440499, 11379874, 25892339, 34405919, 16126774, 31916691, 19897426, 34782259, 11585852, 27175795, 30888834, 29805046, 38388235). ClinVar contains an entry for this variant (Variation ID: 53159). Based on the evidence outlined above, the variant was classified as likely pathogenic.

Otogenetics
Classification: Likely pathogenic for Cystic fibrosis; Congenital bilateral aplasia of vas deferens from CFTR mutation. Last evaluated: 2025-12-01. Review status: criteria provided, single submitter. Criteria: ACMG Guidelines, 2015. Collection method: clinical testing. Allele origin: germline.
Comment: PS3_Supporting: Well-established in vitro and in vivo functional studies supportive of damaging effect on the gene product, with low residual enzymatic activity relative to wild-type reported (PMID: 25892339); PM2: Maximum gnomAD MAF of 0.0965% in Ashkenazi Jewish (ASJ) subpopulation (<0.296% threshold); PM5: Pathogenic missense amino acid changes occur in same position: c.1000C>T;p.Arg334Trp and c.1001G>T p.Arg334Leu (PMID: 9272157, 37006619); PP3: In-silico models predict deleterious effect (Revel = 0.69, BayesDel = 0.28)

PreventionGenetics, part of Exact Sciences
Classification: Likely pathogenic for CFTR-related condition. Last evaluated: 2025-10-21. Review status: criteria provided, single submitter. Criteria: ACMG Guidelines, 2015. Collection method: clinical testing. Allele origin: germline.
Comment: The CFTR c.1001G>A variant is predicted to result in the amino acid substitution p.Arg334Gln. This variant has been reported in the compound heterozygous state in an individual with cystic fibrosis (CF) and congenital bilateral absence of vas deferens (CBAVD) (Table S3, McCague et al. 2019. PubMed ID: 30888834; Dayangaç et al. 2004. PubMed ID: 15070876); however, it has also been reported in the compound heterozygous state in an unaffected individual (Picci et al. 2009. PubMed ID: 19897426). Functional studies demonstrate reduced residual channel function to ~25-26% of wild type (Li et al. 2012. PubMed ID: 22612315; Han et al. 2018. PubMed ID: 30046002; Raraigh. 2018. PubMed ID: 29805046). Alternate missense changes at the same amino acid position (p.Arg334Leu and p.Arg334Trp) have previously been reported in individuals with CF (McCague et al. 2019. PubMed ID: 30888834; Table S2, Sosnay et al. 2013. PubMed ID: 23974870). This variant is reported in 0.096% of alleles in individuals of Ashkenazi Jewish descent in gnomAD. It has conflicting classifications listed in ClinVar ranging from uncertain to pathogenic (ClinVar ID: 53159). This variant is interpreted as likely pathogenic.

GeneDx
Classification: Likely pathogenic. Last evaluated: 2025-10-16. Review status: criteria provided, single submitter. Criteria: GeneDx Variant Classification Process June 2021. Collection method: clinical testing. Allele origin: germline. Affected: yes.
Comment: In silico analysis suggests that this missense variant does not alter protein structure/function; Classified as a variant of varying clinical consequence in a well-curated database (CFTR2); This variant is associated with the following publications: (PMID: 23974870, 11379874, 15070876, 11427889, 30046002, 25892339, 9922375, 20100616, 16126774, 35451201, 34782259, 32357917, 21228398, 17673962, 15371902, 25277268, 11585852, 15130785, 22612315, 27175795, 29805046, 12679372, 30146269, 34426522, 32773111, 34405919, 36207272, 33444622, 19897426, 11180668, 17440499, 28546993, 32784480, 33572515, 31916691, 36969284, 36670555, 34888852, 38515211, 34996830, 36428953, 37628659, 36910284, 38388235, 37823914, 39841779, 39262237, 37888495, 41019016, 27086061, 19669005, 30134826)